The following is an entry in ClinVar:

ClinVar aggregate classification (germline): Likely pathogenic (1 of 4 stars; one submission).

Submission:

Labcorp Genetics (formerly Invitae), Labcorp
Classification: Likely pathogenic. Last evaluated: 2023-11-14. Review status: criteria provided, single submitter. Criteria: Invitae Variant Classification Sherloc (09022015). Collection method: clinical testing. Allele origin: germline.
Comment: This variant, c.5748_5750dup, results in the insertion of 1 amino acid(s) of the NSD1 protein (p.Leu1917dup), but otherwise preserves the integrity of the reading frame. This variant is not present in population databases (gnomAD no frequency). This variant has been observed in individual(s) with clinical features of NSD1-related conditions (Invitae). In at least one individual the variant was observed to be de novo. In summary, the currently available evidence indicates that the variant is pathogenic, but additional data are needed to prove that conclusively. Therefore, this variant has been classified as Likely Pathogenic.

NM_022455.5(NSD1):c.5745GCT[3] (p.Leu1917_Tyr1918insLeu)

Gene: NSD1 (nuclear receptor binding SET domain protein 1; plus strand). Cytogenetic location: 5q35.3.
Variant type: Microsatellite.
Coding change: c.5745GCT[3] on transcript NM_022455.5 (MANE Select); three copies in a row of the 3-base unit GCT starting at c.5745; the reference has two copies in a row; one copy, 3 bases duplicated.
Protein change: p.Leu1917_Tyr1918insLeu.
Genome position (GRCh38, 1-based): chr5:177,280,690-177,280,692, GCT duplicated; duplicating any 3 consecutive bases within chr5:177,280,686-177,280,692 gives the same sequence; the position shown is the placement nearest the transcript's 3' end. VCF-style (leftmost placement, unchanged base first): chr5-177280685-A-ATGC. GRCh37 (hg19) VCF-style: chr5-176707686-A-ATGC.
Other names: c.4872GCT[3], p.Leu1626_Tyr1627insLeu (NM_001365684.2, NM_001409308.1, NM_001409309.1 and 1 more transcripts); c.5745GCT[3], p.Leu1917_Tyr1918insLeu (NM_001409301.1, NM_001409302.1, NM_001409303.1); c.4992GCT[3], p.Leu1666_Tyr1667insLeu (NM_001409305.1); c.4983GCT[3], p.Leu1663_Tyr1664insLeu (NM_001409306.1, NM_001409307.1); c.5325GCT[3], p.Leu1777_Tyr1778insLeu (NM_001409304.1).
Identifiers: ClinVar variation 3673523 (VCV003673523.2).